The following is an entry in ClinVar:

NM_000038.6(APC):c.323G>C (p.Gly108Ala)

Gene: APC (APC regulator of Wnt signaling pathway; plus strand). Cytogenetic location: 5q22.2.
Variant type: single nucleotide variant.
Coding change: c.323G>C on transcript NM_000038.6 (MANE Select); coding-DNA position 323, G replaced by C.
Protein change: p.Gly108Ala; replaces glycine 108 with alanine.
Molecular consequence: missense variant. On other transcripts: 5 prime UTR variant (4), non-coding transcript variant (2).
Genome position (GRCh38, 1-based): chr5:112,767,291, G>C. VCF-style: chr5-112767291-G-C. GRCh37 (hg19) VCF-style: chr5-112102988-G-C.
Other names: c.323G>C, p.Gly108Ala (NM_001127510.3, NM_001354895.2, NM_001354896.2 and 16 more transcripts); c.353G>C, p.Gly118Ala (NM_001127511.3, NM_001354897.2, NM_001354902.2 and 1 more transcripts); c.248G>C, p.Gly83Ala (NM_001354898.2, NM_001354904.2, NM_001407451.1); c.146G>C, p.Gly49Ala (NM_001354900.2, NM_001354901.2, NM_001354905.2 and 1 more transcripts); c.-713G>C (NM_001354906.2, NM_001407470.1, NM_001407471.1 and 1 more transcripts); short protein forms G108A, G118A, G49A, G83A.
Identifiers: ClinVar variation 4801433 (VCV004801433.1).

ClinVar aggregate classification (germline): Uncertain significance (1 of 4 stars; one submission).

Conditions:
Familial adenomatous polyposis 1 (FAP1). Also called: FAMILIAL ADENOMATOUS POLYPOSIS 1, ATTENUATED; POLYPOSIS, ADENOMATOUS INTESTINAL. Identifiers: MedGen C2713442, MONDO:0021056, OMIM 175100. Disease mechanism: loss of function.

Submission:

Labcorp Genetics (formerly Invitae), Labcorp
Classification: Uncertain significance for Familial adenomatous polyposis 1. Last evaluated: 2025-02-04. Review status: criteria provided, single submitter. Criteria: Invitae Variant Classification Sherloc (09022015). Collection method: clinical testing. Allele origin: germline.
Comment: This sequence change replaces glycine, which is neutral and non-polar, with alanine, which is neutral and non-polar, at codon 108 of the APC protein (p.Gly108Ala). This variant is not present in population databases (gnomAD no frequency). This variant has not been reported in the literature in individuals affected with APC-related conditions. Invitae Evidence Modeling of protein sequence and biophysical properties (such as structural, functional, and spatial information, amino acid conservation, physicochemical variation, residue mobility, and thermodynamic stability) indicates that this missense variant is not expected to disrupt APC protein function with a negative predictive value of 95%. In summary, the available evidence is currently insufficient to determine the role of this variant in disease. Therefore, it has been classified as a Variant of Uncertain Significance.